The following is an entry in ClinVar:

ClinVar aggregate classification (germline): Benign/Likely benign. Review status: criteria provided, multiple submitters, no conflicts (2 of 4 stars). 3 submissions from 3 submitters: Benign (1); Likely benign (2). Last evaluated 2026-01-12.

Conditions:
Cataract 21 multiple types. Also called: Cataract, congenital, cerulean type, 4; CATARACT 21, MULTIPLE TYPES, WITH OR WITHOUT MICROCORNEA; CATARACT 21, CERULEAN, WITH OR WITHOUT MICROCORNEA; CATARACT 21, MULTIPLE TYPES, WITH MICROCORNEA. Identifiers: Orphanet 91492, MedGen C1857768, MONDO:0012437, OMIM 610202.
Ayme-Gripp syndrome. Also called: Aymé-Gripp Syndrome. Identifiers: MedGen C1832812, MONDO:0010992, OMIM 601088.

Allele frequency attached by ClinVar (database versions not stated): gnomAD exomes 0.00019; gnomAD 0.00046; 1000 Genomes Project 30x 0.00094.
gnomAD v4.1: 233 of 982,152 alleles (0.024%); highest among the groups gnomAD compares: South Asian, 0.58%; 5 homozygotes.

Submissions (3):

Labcorp Genetics (formerly Invitae), Labcorp
Classification: Benign for Cataract 21 multiple types; Ayme-Gripp syndrome. Last evaluated: 2026-01-12. Review status: criteria provided, single submitter. Criteria: Invitae Variant Classification Sherloc (09022015). Collection method: clinical testing. Allele origin: germline.

Blueprint Genetics
Classification: Likely benign. Last evaluated: 2024-11-06. Review status: criteria provided, single submitter. Criteria: ACMG Guidelines, 2015. Collection method: clinical testing. Allele origin: germline.

CeGaT Center for Human Genetics Tuebingen
Classification: Likely benign. Last evaluated: 2023-05-01. Review status: criteria provided, single submitter. Criteria: CeGaT Center For Human Genetics Tuebingen Variant Classification Criteria Version 2. Collection method: clinical testing. Allele origin: germline. Affected: yes. Observed: 2 variant alleles.
Comment: MAF: BP4, BP7, BS1

NM_005360.5(MAF):c.594C>T (p.Gly198=)

Gene: MAF (MAF bZIP transcription factor; minus strand). Cytogenetic location: 16q23.2.
Variant type: single nucleotide variant.
Coding change: c.594C>T on transcript NM_005360.5 (MANE Select); coding-DNA position 594, C replaced by T.
Protein change: p.Gly198=; no amino-acid change (glycine 198 retained).
Molecular consequence: synonymous variant.
Genome position (GRCh38, 1-based): chr16:79,599,309, G>A on the plus strand (C>T on the coding strand, the complement: MAF is on the minus strand). VCF-style: chr16-79599309-G-A. GRCh37 (hg19) VCF-style: chr16-79633206-G-A.
Other names: c.594C>T, p.Gly198= (NM_001031804.3).
Identifiers: ClinVar variation 1951400 (VCV001951400.33), dbSNP rs866444177, ClinGen allele CA284128504.